The following is an entry in ClinVar:

NM_001148.6(ANK2):c.8176A>G (p.Thr2726Ala)

Gene: ANK2 (ankyrin 2; plus strand). Cytogenetic location: 4q26.
Variant type: single nucleotide variant.
Coding change: c.8176A>G on transcript NM_001148.6 (MANE Select); coding-DNA position 8176, A replaced by G.
Protein change: p.Thr2726Ala; replaces threonine 2726 with alanine.
Molecular consequence: missense variant. On other transcripts: intron variant (68).
Genome position (GRCh38, 1-based): chr4:113,356,794, A>G. VCF-style: chr4-113356794-A-G. GRCh37 (hg19) VCF-style: chr4-114277950-A-G.
Other names: c.7942A>G, p.Thr2648Ala (NM_001386142.1); c.4576A>G, p.Thr1526Ala (NM_001386166.1); c.8317A>G, p.Thr2773Ala (NM_001386174.1); c.8293A>G, p.Thr2765Ala (NM_001386175.1); c.4412-4029A>G (NM_001386186.2, NM_001386148.2); c.4214-4029A>G (NM_001354269.3); c.4292-4029A>G (NM_001386187.2); c.4253-4029A>G (NM_001386147.1); and 35 more; short protein forms T1526A, T2648A, T2726A, T2765A, T2773A.
Identifiers: ClinVar variation 1211590 (VCV001211590.11), dbSNP rs781344591, ClinGen allele CA3051726.
Genomic context (GRCh38, chr4:113,356,794, plus strand): 5'-GAAGAAGTACAATTCCAGCCTGTCGTTTCCAAACAATATACTTTCAAGATGAATGAAGAT[A>G]CTCAGGAAGAGCCAGGCAAATCAGAAGAAGAAAAAGATTCTGAATCCCATTTAGCTGAAG-3'
Protein context (NP_001139.3, residues 2716-2736): KQYTFKMNED[Thr2726Ala]QEEPGKSEEE

ClinVar aggregate classification (germline): Conflicting classifications of pathogenicity. Review status: criteria provided, conflicting classifications (1 of 4 stars). 4 submissions from 4 submitters: Uncertain significance (3); Likely benign (1). Last evaluated 2025-09-02.

Conditions:
Long QT syndrome (LQTS). Identifiers: MedGen C0023976, MeSH D008133, MONDO:0002442. Disease mechanism: loss of function. Inheritance: Various modes of inheritance.
Cardiovascular phenotype. Identifiers: MedGen CN230736.
Cardiac arrhythmia, ankyrin-B-related. Also called: ANKYRIN-B SYNDROME. Identifiers: Orphanet 101016, Orphanet 768, MedGen C1970119, MONDO:0010958, OMIM 600919.

Allele frequency attached by ClinVar (database versions not stated): gnomAD exomes 0.00003; gnomAD 0.00006; ExAC 0.00002; TOPMed 0.00010.
gnomAD v4.1: 17 of 1,614,030 alleles (0.0011%); highest among the groups gnomAD compares: African/African-American, 0.02%; no homozygotes.

Submissions (4):

Labcorp Genetics (formerly Invitae), Labcorp
Classification: Uncertain significance for Long QT syndrome. Last evaluated: 2025-09-02. Review status: criteria provided, single submitter. Criteria: Invitae Variant Classification Sherloc (09022015). Collection method: clinical testing. Allele origin: germline.
Comment: This sequence change replaces threonine, which is neutral and polar, with alanine, which is neutral and non-polar, at codon 2726 of the ANK2 protein (p.Thr2726Ala). This variant is present in population databases (rs781344591, gnomAD 0.04%). This variant has not been reported in the literature in individuals affected with ANK2-related conditions. ClinVar contains an entry for this variant (Variation ID: 1211590). An algorithm developed to predict the effect of missense changes on protein structure and function outputs the following: PolyPhen-2: "Benign". The alanine amino acid residue is found in multiple mammalian species, which suggests that this missense change does not adversely affect protein function. In summary, the available evidence is currently insufficient to determine the role of this variant in disease. Therefore, it has been classified as a Variant of Uncertain Significance.

Ambry Genetics
Classification: Likely benign for Cardiovascular phenotype. Last evaluated: 2025-04-11. Review status: criteria provided, single submitter. Criteria: Ambry Variant Classification Scheme 2023. Collection method: clinical testing. Allele origin: germline.

GeneDx
Classification: Uncertain significance. Last evaluated: 2020-01-02. Review status: criteria provided, single submitter. Criteria: GeneDx Variant Classification Process June 2021. Collection method: clinical testing. Allele origin: germline. Affected: yes.
Comment: Has not been previously published as pathogenic or benign to our knowledge; In silico analysis, which includes protein predictors and evolutionary conservation, supports that this variant does not alter protein structure/function

Center for Genomics, Ann and Robert H. Lurie Children's Hospital of Chicago
Classification: Uncertain significance for Cardiac arrhythmia, ankyrin-B-related. Review status: criteria provided, single submitter. Criteria: ACMG Guidelines, 2015. Collection method: clinical testing. Allele origin: germline.
Comment: ANK2 NM_001148.4 exon 38 p.Thr2726Ala (c.8176A>G): This variant has not been reported in the literature and is present in 0.03% (9/24902) of African alleles in the Genome Aggregation Database. This variant amino acid Alanine (Ala) is present in several species including multiple mammals, and it is not well conserved among evolutionarily distant species; this suggests that this variant may not impact the protein. Additional computational prediction tools do not suggest an impact. In summary, data on this variant is insufficient for disease classification. Therefore, the clinical significance of this variant is uncertain.